The following is an entry in ClinVar:

NM_001163809.2(WDR81):c.4386T>C (p.Asp1462=)

Gene: WDR81 (WD repeat domain 81; plus strand). Cytogenetic location: 17p13.3.
Variant type: single nucleotide variant.
Coding change: c.4386T>C on transcript NM_001163809.2 (MANE Select); coding-DNA position 4386, T replaced by C.
Protein change: p.Asp1462=; no amino-acid change (aspartic acid 1462 retained).
Molecular consequence: synonymous variant.
Genome position (GRCh38, 1-based): chr17:1,732,728, T>C. VCF-style: chr17-1732728-T-C. GRCh37 (hg19) VCF-style: chr17-1636022-T-C.
Other names: c.777T>C, p.Asp259= (NM_001163673.2); c.705T>C, p.Asp235= (NM_001163811.2); c.1233T>C, p.Asp411= (NM_152348.4).
Identifiers: ClinVar variation 4875365 (VCV004875365.2).

ClinVar aggregate classification (germline): Likely benign (1 of 4 stars; one submission).

Submission:

CeGaT Center for Human Genetics Tuebingen
Classification: Likely benign. Last evaluated: 2026-06-01. Review status: criteria provided, single submitter. Criteria: CeGaT Center For Human Genetics Tuebingen Variant Classification Criteria Version 2. Collection method: clinical testing. Allele origin: germline. Affected: yes. Observed: 1 variant allele.
Comment: WDR81: BP4, BP7